The following is an entry in ClinVar:

ClinVar aggregate classification (germline): Uncertain significance. Review status: criteria provided, multiple submitters, no conflicts (2 of 4 stars). 2 submissions from 2 submitters: Uncertain significance (2). Last evaluated 2024-09-26.

Allele frequency attached by ClinVar (database versions not stated): gnomAD exomes 0.00001; TOPMed 0.00001.
gnomAD v4.1: 22 of 1,612,480 alleles (0.0014%); highest among the groups gnomAD compares: Non-Finnish European, 0.0018%; no homozygotes.

Submissions (2):

Ambry Genetics
Classification: Uncertain significance. Last evaluated: 2024-09-26. Review status: criteria provided, single submitter. Criteria: Ambry Variant Classification Scheme 2023. Collection method: clinical testing. Allele origin: germline.

GeneDx
Classification: Uncertain significance. Last evaluated: 2023-01-20. Review status: criteria provided, single submitter. Criteria: GeneDx Variant Classification Process June 2021. Collection method: clinical testing. Allele origin: germline. Affected: yes.
Comment: Not observed at significant frequency in large population cohorts (gnomAD); In silico analysis supports that this missense variant has a deleterious effect on protein structure/function; Has not been previously published as pathogenic or benign to our knowledge

NM_020117.11(LARS1):c.745A>G (p.Met249Val)

Gene: LARS1 (leucyl-tRNA synthetase 1; minus strand). Cytogenetic location: 5q32.
Variant type: single nucleotide variant.
Coding change: c.745A>G on transcript NM_020117.11 (MANE Select); coding-DNA position 745, A replaced by G.
Protein change: p.Met249Val; replaces methionine 249 with valine.
Molecular consequence: missense variant.
Genome position (GRCh38, 1-based): chr5:146,159,433, T>C on the plus strand (A>G on the coding strand, the complement: LARS1 is on the minus strand). VCF-style: chr5-146159433-T-C. GRCh37 (hg19) VCF-style: chr5-145538996-T-C.
Other names: c.607A>G, p.Met203Val (NM_001317964.2); c.583A>G, p.Met195Val (NM_001317965.2); c.664A>G, p.Met222Val (NM_016460.4); short protein forms M195V, M203V, M222V, M249V.
Identifiers: ClinVar variation 2573955 (VCV002573955.2), dbSNP rs566980518, ClinGen allele CA128856386.